The following is an entry in ClinVar:

ClinVar aggregate classification (germline): Likely benign (1 of 4 stars; one submission).

Allele frequency attached by ClinVar (database versions not stated): gnomAD 0.00022; TOPMed 0.00022; gnomAD exomes 0.00040.
gnomAD v4.1: 138 of 398,482 alleles (0.035%); highest among the groups gnomAD compares: Non-Finnish European, 0.0044%; 2 homozygotes.

Submission:

CeGaT Center for Human Genetics Tuebingen
Classification: Likely benign. Last evaluated: 2026-08-01. Review status: criteria provided, single submitter. Criteria: CeGaT Center For Human Genetics Tuebingen Variant Classification Criteria Version 2. Collection method: clinical testing. Allele origin: germline. Affected: yes. Observed: 9 variant alleles.
Comment: KCNQ1OT1: BS2

NM_000218.3(KCNQ1):c.1514+36449C>T

Genes: KCNQ1 (potassium voltage-gated channel subfamily Q member 1; plus strand), KCNQ1OT1 (KCNQ1 opposite strand/antisense transcript 1; minus strand). Cytogenetic location: 11p15.5.
Variant type: single nucleotide variant.
Coding change: c.1514+36449C>T on transcript NM_000218.3 (MANE Select); 36449 bases into the intron after coding-DNA position 1514, C replaced by T.
Molecular consequence: intron variant. On other transcripts: non-coding transcript variant (1).
Genome position (GRCh38, 1-based): chr11:2,698,530, C>T. VCF-style: chr11-2698530-C-T. GRCh37 (hg19) VCF-style: chr11-2719760-C-T.
Other names: c.1244+36449C>T (NM_001406837.1); c.1418+36449C>T (NM_001406836.1); c.974+36449C>T (NM_001406838.1); c.1133+36449C>T (NM_181798.2).
Identifiers: ClinVar variation 3234543 (VCV003234543.20), dbSNP rs932472235, ClinGen allele CA216197621.